The following is an entry in ClinVar:

ClinVar aggregate classification (germline): Likely benign. Review status: criteria provided, multiple submitters, no conflicts (2 of 4 stars). 2 submissions from 2 submitters: Likely benign (2). Last evaluated 2026-09-01.

Conditions:
Spastic paraplegia. Identifiers: MedGen C0037772, HP:0001258.

Allele frequency attached by ClinVar (database versions not stated): gnomAD 0.00001; ExAC 0.00002; gnomAD exomes 0.00002 and 0.00005; TOPMed 0.00002.
gnomAD v4.1: 69 of 1,614,074 alleles (0.0043%); highest among the groups gnomAD compares: Non-Finnish European, 0.0056%; no homozygotes.

Submissions (2):

CeGaT Center for Human Genetics Tuebingen
Classification: Likely benign. Last evaluated: 2026-09-01. Review status: criteria provided, single submitter. Criteria: CeGaT Center For Human Genetics Tuebingen Variant Classification Criteria Version 2. Collection method: clinical testing. Allele origin: germline. Affected: yes. Observed: 1 variant allele.
Comment: ZFYVE26: BP4, BP7

Labcorp Genetics (formerly Invitae), Labcorp
Classification: Likely benign for Spastic paraplegia. Last evaluated: 2025-03-20. Review status: criteria provided, single submitter. Criteria: Invitae Variant Classification Sherloc (09022015). Collection method: clinical testing. Allele origin: germline.

NM_015346.4(ZFYVE26):c.771G>A (p.Glu257=)

Gene: ZFYVE26 (zinc finger FYVE-type containing 26; minus strand). Cytogenetic location: 14q24.1.
Variant type: single nucleotide variant.
Coding change: c.771G>A on transcript NM_015346.4 (MANE Select); coding-DNA position 771, G replaced by A.
Protein change: p.Glu257=; no amino-acid change (glutamic acid 257 retained).
Molecular consequence: synonymous variant.
Genome position (GRCh38, 1-based): chr14:67,807,513, C>T on the plus strand (G>A on the coding strand, the complement: ZFYVE26 is on the minus strand). VCF-style: chr14-67807513-C-T. GRCh37 (hg19) VCF-style: chr14-68274230-C-T.
Identifiers: ClinVar variation 698402 (VCV000698402.11), dbSNP rs749671607, ClinGen allele CA7240707.
Genomic context (GRCh38, chr14:67,807,513, plus strand): 5'-ATGGCCATACAGGGACAGCAGGCCCCGGCTGGCCTTGTGCAGCAGGCAGCTGAGCAGCCG[C>T]TCCTCCCGCAGGGGACTCCCCTCGGTCCTGCAGGCCTCTAGTAGTTCCTCACACAGGAGA-3'
Protein context (NP_056161.2, residues 247-267): CRTEGSPLRE[Glu257=]RLLSCLLHKA